The following is an entry in ClinVar:

ClinVar aggregate classification (germline): Benign/Likely benign. Review status: criteria provided, multiple submitters, no conflicts (2 of 4 stars). 3 submissions from 3 submitters: Benign (1); Likely benign (2). Last evaluated 2024-07-05.

Conditions:
Hereditary cancer-predisposing syndrome. Also called: Hereditary Cancer Syndrome; Neoplastic Syndromes, Hereditary; Tumor predisposition; Hereditary neoplastic syndrome. Identifiers: Orphanet 140162, MedGen C0027672, MeSH D009386, MONDO:0015356.
Oligodontia-cancer predisposition syndrome. Also called: TOOTH AGENESIS-COLORECTAL CANCER SYNDROME. Identifiers: Orphanet 300576, MedGen C1837750, MONDO:0012075, OMIM 608615. Disease mechanism: loss of function.

Allele frequency attached by ClinVar (database versions not stated): gnomAD exomes below 0.00001; TOPMed below 0.00001.
gnomAD v4.1: 2 of 1,614,122 alleles (0.00012%); highest among the groups gnomAD compares: Non-Finnish European, 0.00017%; no homozygotes.

Submissions (3):

Myriad Genetics, Inc.
Classification: Benign for Oligodontia-cancer predisposition syndrome. Last evaluated: 2024-07-05. Review status: criteria provided, single submitter. Criteria: Myriad Autosomal Dominant, Autosomal Recessive and X-Linked Classification Criteria (2023). Collection method: clinical testing. Allele origin: unknown.
Comment: This variant is considered benign. This variant is a silent/synonymous amino acid change and it is not expected to impact splicing.

Ambry Genetics
Classification: Likely benign for Hereditary cancer-predisposing syndrome. Last evaluated: 2023-12-24. Review status: criteria provided, single submitter. Criteria: Ambry Variant Classification Scheme 2023. Collection method: clinical testing. Allele origin: germline.

Labcorp Genetics (formerly Invitae), Labcorp
Classification: Likely benign for Oligodontia-cancer predisposition syndrome. Last evaluated: 2022-10-15. Review status: criteria provided, single submitter. Criteria: Invitae Variant Classification Sherloc (09022015). Collection method: clinical testing. Allele origin: germline.

NM_004655.4(AXIN2):c.1626C>T (p.Phe542=)

Gene: AXIN2 (axin 2; minus strand). Cytogenetic location: 17q24.1.
Variant type: single nucleotide variant.
Coding change: c.1626C>T on transcript NM_004655.4 (MANE Select); coding-DNA position 1626, C replaced by T.
Protein change: p.Phe542=; no amino-acid change (phenylalanine 542 retained).
Molecular consequence: synonymous variant.
Genome position (GRCh38, 1-based): chr17:65,537,410, G>A on the plus strand (C>T on the coding strand, the complement: AXIN2 is on the minus strand). VCF-style: chr17-65537410-G-A. GRCh37 (hg19) VCF-style: chr17-63533528-G-A.
Other names: c.1626C>T, p.Phe542= (NM_001363813.1); c.1626C>T (NM_004655.3).
Identifiers: ClinVar variation 1531492 (VCV001531492.10), dbSNP rs1040027666, ClinGen allele CA293098209.